The following is an entry in ClinVar:

ClinVar aggregate classification (germline): Uncertain significance (1 of 4 stars; one submission).

Allele frequency attached by ClinVar (database versions not stated): gnomAD exomes below 0.00001; gnomAD 0.00001; TOPMed 0.00001.

Submission:

GeneDx
Classification: Uncertain significance. Last evaluated: 2021-01-12. Review status: criteria provided, single submitter. Criteria: GeneDx Variant Classification Process June 2021. Collection method: clinical testing. Allele origin: germline. Affected: yes.
Comment: Not observed in large population cohorts (Lek et al., 2016); In silico analysis supports that this missense variant has a deleterious effect on protein structure/function; Has not been previously published as pathogenic or benign to our knowledge

NM_000291.4(PGK1):c.824A>C (p.Lys275Thr)

Gene: PGK1 (phosphoglycerate kinase 1; plus strand). Cytogenetic location: Xq21.1.
Variant type: single nucleotide variant.
Coding change: c.824A>C on transcript NM_000291.4 (MANE Select); coding-DNA position 824, A replaced by C.
Protein change: p.Lys275Thr; replaces lysine 275 with threonine.
Molecular consequence: missense variant.
Genome position (GRCh38, 1-based): chrX:78,123,262, A>C. VCF-style: chrX-78123262-A-C. GRCh37 (hg19) VCF-style: chrX-77378759-A-C.
Other names: short protein forms K275T.
Identifiers: ClinVar variation 1314031 (VCV001314031.2), dbSNP rs1418864306, ClinGen allele CA413716556.